The following is an entry in ClinVar:

ClinVar aggregate classification (germline): Uncertain significance (1 of 4 stars; one submission).

Submission:

Athena Diagnostics
Classification: Uncertain significance. Last evaluated: 2024-02-02. Review status: criteria provided, single submitter. Criteria: Athena Diagnostics Criteria. Collection method: clinical testing. Allele origin: unknown.
Comment: Available data are insufficient to determine the clinical significance of the variant at this time. This variant has not been reported in large, multi-ethnic general populations. This variant has been seen where an alternate explanation for disease was also identified, suggesting this variant may not cause disease. Computational tools yielded inconclusive predictions regarding the effect of this variant on RNA splicing.

NM_006158.5(NEFL):c.1044+4C>G

Gene: NEFL (neurofilament light chain; minus strand). Cytogenetic location: 8p21.2.
Variant type: single nucleotide variant.
Coding change: c.1044+4C>G on transcript NM_006158.5 (MANE Select); 4 bases into the intron after coding-DNA position 1044, C replaced by G.
Molecular consequence: intron variant.
Genome position (GRCh38, 1-based): chr8:24,955,468, G>C on the plus strand (C>G on the coding strand, the complement: NEFL is on the minus strand). VCF-style: chr8-24955468-G-C. GRCh37 (hg19) VCF-style: chr8-24812982-G-C.
Identifiers: ClinVar variation 3571988 (VCV003571988.1).